The following is an entry in ClinVar:

ClinVar aggregate classification (germline): Uncertain significance (0 of 4 stars; one submission).

Conditions:
TALDO1-related disorder. Also called: TALDO1-related condition.

gnomAD v4.1: 1 of 1,612,324 alleles (0.000062%); highest among the groups gnomAD compares: Middle Eastern, 0.017%; no homozygotes.

Submission:

PreventionGenetics, part of Exact Sciences
Classification: Uncertain significance for TALDO1-related condition. Last evaluated: 2024-03-29. Review status: no assertion criteria provided. Collection method: clinical testing. Allele origin: germline.
Comment: The TALDO1 c.798C>G variant is predicted to result in the amino acid substitution p.Asp266Glu. To our knowledge, this variant has not been reported in the literature or in a large population database, indicating this variant is rare. At this time, the clinical significance of this variant is uncertain due to the absence of conclusive functional and genetic evidence.

NM_006755.2(TALDO1):c.798C>G (p.Asp266Glu)

Gene: TALDO1 (transaldolase 1; plus strand). Cytogenetic location: 11p15.5.
Variant type: single nucleotide variant.
Coding change: c.798C>G on transcript NM_006755.2 (MANE Select); coding-DNA position 798, C replaced by G.
Protein change: p.Asp266Glu; replaces aspartic acid 266 with glutamic acid.
Molecular consequence: missense variant.
Genome position (GRCh38, 1-based): chr11:763,907, C>G. VCF-style: chr11-763907-C-G. GRCh37 (hg19) VCF-style: chr11-763907-C-G.
Other names: short protein forms D266E.
Identifiers: ClinVar variation 3349042 (VCV003349042.1).